The following is an entry in ClinVar:

ClinVar aggregate classification (germline): Conflicting classifications of pathogenicity. Review status: criteria provided, conflicting classifications (1 of 4 stars). 4 submissions from 4 submitters: Uncertain significance (1); Likely benign (3). Last evaluated 2025-08-01.

Submissions (4):

CeGaT Center for Human Genetics Tuebingen
Classification: Likely benign. Last evaluated: 2025-08-01. Review status: criteria provided, single submitter. Criteria: CeGaT Center For Human Genetics Tuebingen Variant Classification Criteria Version 2. Collection method: clinical testing. Allele origin: germline. Affected: yes. Observed: 1 variant allele.
Comment: WDR62: BP4, BP7

Labcorp Genetics (formerly Invitae), Labcorp
Classification: Likely benign. Last evaluated: 2025-07-14. Review status: criteria provided, single submitter. Criteria: Invitae Variant Classification Sherloc (09022015). Collection method: clinical testing. Allele origin: germline.

Blueprint Genetics
Classification: Likely benign. Last evaluated: 2024-01-17. Review status: criteria provided, single submitter. Criteria: ACMG Guidelines, 2015. Collection method: clinical testing. Allele origin: germline.

Eurofins Ntd Llc (ga)
Classification: Uncertain significance. Last evaluated: 2013-08-07. Review status: criteria provided, single submitter. Criteria: EGL Classification Definitions 2015. Collection method: clinical testing. Allele origin: germline. Observed: 1 variant allele, 1 heterozygote.

NM_001083961.2(WDR62):c.156C>G (p.Ser52=)

Gene: WDR62 (WD repeat domain 62; plus strand). Cytogenetic location: 19q13.12.
Variant type: single nucleotide variant.
Coding change: c.156C>G on transcript NM_001083961.2 (MANE Select); coding-DNA position 156, C replaced by G.
Protein change: p.Ser52=; no amino-acid change (serine 52 retained).
Molecular consequence: synonymous variant.
Genome position (GRCh38, 1-based): chr19:36,055,127, C>G. VCF-style: chr19-36055127-C-G. GRCh37 (hg19) VCF-style: chr19-36546029-C-G.
Other names: c.156C>G, p.Ser52= (NM_173636.5).
Identifiers: ClinVar variation 93536 (VCV000093536.22), dbSNP rs398123559, ClinGen allele CA221479.